The following is an entry in ClinVar:

NM_001370259.2(MEN1):c.177C>T (p.Pro59=)

Gene: MEN1 (menin 1; minus strand). Cytogenetic location: 11q13.1.
Variant type: single nucleotide variant.
Coding change: c.177C>T on transcript NM_001370259.2 (MANE Select); coding-DNA position 177, C replaced by T.
Protein change: p.Pro59=; no amino-acid change (proline 59 retained).
Molecular consequence: synonymous variant.
Genome position (GRCh38, 1-based): chr11:64,809,933, G>A on the plus strand (C>T on the coding strand, the complement: MEN1 is on the minus strand). VCF-style: chr11-64809933-G-A. GRCh37 (hg19) VCF-style: chr11-64577405-G-A.
Other names: c.177C>T, p.Pro59= (NM_001370262.2, NM_001370263.2, NM_130799.3 and 9 more transcripts).
Identifiers: ClinVar variation 527266 (VCV000527266.9), dbSNP rs749001511, ClinGen allele CA475163890.

ClinVar aggregate classification (germline): Conflicting classifications of pathogenicity. Review status: criteria provided, conflicting classifications (1 of 4 stars). 2 submissions from 2 submitters: Uncertain significance (1); Likely benign (1). Last evaluated 2024-10-23.

Conditions:
Multiple endocrine neoplasia, type 1 (MEN1). Also called: MEN I; WERMER SYNDROME; Endocrine adenomatosis multiple; MEN 1; MEA I. Identifiers: Orphanet 652, MedGen C0025267, MeSH D018761, MONDO:0007540, OMIM 131100.
Hereditary cancer-predisposing syndrome. Also called: Neoplastic Syndromes, Hereditary; Tumor predisposition; Hereditary neoplastic syndrome; Hereditary Cancer Syndrome. Identifiers: Orphanet 140162, MedGen C0027672, MeSH D009386, MONDO:0015356.

gnomAD v4.1: 1 of 1,584,434 alleles (0.000063%); highest among the groups gnomAD compares: Non-Finnish European, 0.000086%; no homozygotes.

Submissions (2):

Ambry Genetics
Classification: Likely benign for Hereditary cancer-predisposing syndrome. Last evaluated: 2024-10-23. Review status: criteria provided, single submitter. Criteria: Ambry Variant Classification Scheme 2023. Collection method: clinical testing. Allele origin: germline.

Labcorp Genetics (formerly Invitae), Labcorp
Classification: Uncertain significance for Multiple endocrine neoplasia, type 1. Last evaluated: 2017-11-20. Review status: criteria provided, single submitter. Criteria: Invitae Variant Classification Sherloc (09022015). Collection method: clinical testing. Allele origin: germline.
Comment: Algorithms developed to predict the effect of sequence changes on RNA splicing suggest that this variant is not likely to affect RNA splicing, but this prediction has not been confirmed by published transcriptional studies. This variant is not present in population databases (ExAC no frequency). This sequence change affects codon 59 of the MEN1 mRNA. It is a 'silent' change, meaning that it does not change the encoded amino acid sequence of the MEN1 protein. In summary, the available evidence is currently insufficient to determine the role of this variant in disease. Therefore, it has been classified as a Variant of Uncertain Significance.